The following is an entry in ClinVar:

ClinVar aggregate classification (germline): Conflicting classifications of pathogenicity. Review status: criteria provided, conflicting classifications (1 of 4 stars). 8 submissions from 8 submitters: Uncertain significance (7); Likely benign (1). Last evaluated 2025-10-16.

Conditions:
Gastric adenocarcinoma and proximal polyposis of the stomach (GAPPS). Also called: Gastric Adenocarcinoma and Proximal Polyposis of the Stomach (GAPPS); Polyposis, gastric, Dos Santos and de Magalhaes 1980; POLYPOSIS, GASTRIC. Identifiers: Orphanet 314022, MedGen C4749917, MONDO:0017790, OMIM 619182.
Attenuated familial adenomatous polyposis (AFAP). Also called: Attenuated FAP. Identifiers: Orphanet 220460, MedGen C2674616, MONDO:0016362.
Familial adenomatous polyposis 1 (FAP1). Also called: FAMILIAL ADENOMATOUS POLYPOSIS 1, ATTENUATED; POLYPOSIS, ADENOMATOUS INTESTINAL. Identifiers: MedGen C2713442, MONDO:0021056, OMIM 175100. Disease mechanism: loss of function.
Classic or attenuated familial adenomatous polyposis. Identifiers: MedGen CN372698, MONDO:0021057.
Hereditary cancer-predisposing syndrome. Also called: Tumor predisposition; Hereditary Cancer Syndrome; Neoplastic Syndromes, Hereditary; Hereditary neoplastic syndrome. Identifiers: Orphanet 140162, MedGen C0027672, MeSH D009386, MONDO:0015356.

Allele frequency attached by ClinVar (database versions not stated): gnomAD exomes 0.00001; TOPMed 0.00002; gnomAD 0.00003.
gnomAD v4.1: 21 of 1,613,970 alleles (0.0013%); highest among the groups gnomAD compares: Non-Finnish European, 0.0017%; no homozygotes.

Submissions (8):

Labcorp Genetics (formerly Invitae), Labcorp
Classification: Uncertain significance for Familial adenomatous polyposis 1. Last evaluated: 2025-10-16. Review status: criteria provided, single submitter. Criteria: Invitae Variant Classification Sherloc (09022015). Collection method: clinical testing. Allele origin: germline.
Comment: This sequence change replaces serine, which is neutral and polar, with phenylalanine, which is neutral and non-polar, at codon 1100 of the APC protein (p.Ser1100Phe). This variant is present in population databases (no rsID available, gnomAD 0.0009%). This missense change has been observed in individual(s) with Lynch syndrome (PMID: 25980754). ClinVar contains an entry for this variant (Variation ID: 216159). Invitae Evidence Modeling of protein sequence and biophysical properties (such as structural, functional, and spatial information, amino acid conservation, physicochemical variation, residue mobility, and thermodynamic stability) indicates that this missense variant is not expected to disrupt APC protein function with a negative predictive value of 95%. In summary, the available evidence is currently insufficient to determine the role of this variant in disease. Therefore, it has been classified as a Variant of Uncertain Significance.

All of Us Research Program, National Institutes of Health
Classification: Uncertain significance for Classic or attenuated familial adenomatous polyposis. Last evaluated: 2024-08-23. Review status: criteria provided, single submitter. Criteria: ACMG Guidelines, 2015. Collection method: clinical testing. Allele origin: germline. Inheritance: Autosomal dominant inheritance. Observed: 3 variant alleles, 3 heterozygotes.
Comment: This missense variant replaces serine with phenylalanine at codon 1100 of the APC protein. Computational prediction suggests that this variant may not impact protein structure and function (internally defined REVEL score threshold <= 0.5, PMID: 27666373). To our knowledge, functional studies have not been reported for this variant. This variant has been reported in an individual affected with Lynch syndrome-associated cancer and/or polyps (PMID: 25980754). This variant has been identified in 2/250362 chromosomes in the general population by the Genome Aggregation Database (gnomAD). The available evidence is insufficient to determine the role of this variant in disease conclusively. Therefore, this variant is classified as a Variant of Uncertain Significance.

This study involves interpretation of variants in research participants for the purpose of population health screening. Participant phenotype was not available at the time of variant classification. Additional details can be found in publication PMID: 35346344, PMCID: PMC8962531

Color Diagnostics, LLC DBA Color Health
Classification: Uncertain significance for Hereditary cancer-predisposing syndrome. Last evaluated: 2024-08-13. Review status: criteria provided, single submitter. Criteria: ACMG Guidelines, 2015. Collection method: clinical testing. Allele origin: germline.
Comment: This missense variant replaces serine with phenylalanine at codon 1100 of the APC protein. Computational prediction suggests that this variant may not impact protein structure and function (internally defined REVEL score threshold <= 0.5, PMID: 27666373). To our knowledge, functional studies have not been reported for this variant. This variant has been reported in an individual affected with Lynch syndrome-associated cancer and/or polyps (PMID: 25980754). This variant has been identified in 2/250362 chromosomes in the general population by the Genome Aggregation Database (gnomAD). The available evidence is insufficient to determine the role of this variant in disease conclusively. Therefore, this variant is classified as a Variant of Uncertain Significance.

GeneDx
Classification: Uncertain significance. Last evaluated: 2024-06-25. Review status: criteria provided, single submitter. Criteria: GeneDx Variant Classification Process June 2021. Collection method: clinical testing. Allele origin: germline. Affected: yes.
Comment: Not observed at significant frequency in large population cohorts (gnomAD); In silico analysis indicates that this missense variant does not alter protein structure/function; This variant is associated with the following publications: (PMID: 18199528, 25980754)

Ambry Genetics
Classification: Likely benign for Hereditary cancer-predisposing syndrome. Last evaluated: 2024-03-27. Review status: criteria provided, single submitter. Criteria: Ambry Variant Classification Scheme 2023. Collection method: clinical testing. Allele origin: germline.

Baylor Genetics
Classification: Uncertain significance for Familial adenomatous polyposis 1. Last evaluated: 2024-03-25. Review status: criteria provided, single submitter. Criteria: ACMG Guidelines, 2015. Collection method: clinical testing. Allele origin: unknown.

St. Jude Molecular Pathology, St. Jude Children's Research Hospital
Classification: Uncertain significance for Familial adenomatous polyposis 1. Last evaluated: 2021-03-29. Review status: criteria provided, single submitter. Criteria: St. Jude Assertion Criteria 2020. Collection method: clinical testing. Allele origin: germline.
Comment: The APC c.3299C>T (p.Ser1100Phe) missense change has a maximum subpopulation frequency of 0.0018% in gnomAD v2.1.1 (PM2_Supprting). In silico tools are not in agreement about the effect on the gene or protein function and functional studies have not been performed to our knowledge. This variant has been reported in an individual with suspected Lynch syndrome (PMID: 25980754). In summary, this variant meets criteria to be classified as of uncertain significance based on the ACMG/AMP criteria: PM2_Supporting.

Women's Health and Genetics/Laboratory Corporation of America, LabCorp
Classification: Uncertain significance. Last evaluated: 2020-10-09. Review status: criteria provided, single submitter. Criteria: LabCorp Variant Classification Summary - May 2015. Collection method: clinical testing. Allele origin: germline.
Comment: Variant summary: APC c.3299C>T (p.Ser1100Phe) results in a non-conservative amino acid change in the encoded protein sequence. Three of five in-silico tools predict a damaging effect of the variant on protein function. The variant allele was found at a frequency of 8e-06 in 250362 control chromosomes. The available data on variant occurrences in the general population are insufficient to allow any conclusion about variant significance. c.3299C>T has been reported in the literature in at-least one individual undergoing a panel based genetic testing for Lynch syndrome (example, Yurgelun_2015). This report does not provide unequivocal conclusions about association of the variant with Familial Adenomatous Polyposis. To our knowledge, no experimental evidence demonstrating an impact on protein function has been reported. Four clinical diagnostic laboratories have submitted clinical-significance assessments for this variant to ClinVar after 2014 without evidence for independent evaluation. At-least one submitter cites overlapping evidence utilized in the context of this evaluation. All laboratories classified the variant as uncertain significance. Based on the evidence outlined above, the variant was classified as uncertain significance.

Literature cited by the submitters: PubMed 25980754 (cited by 4 submitters).

NM_000038.6(APC):c.3299C>T (p.Ser1100Phe)

Gene: APC (APC regulator of Wnt signaling pathway; plus strand). Cytogenetic location: 5q22.2.
Variant type: single nucleotide variant.
Coding change: c.3299C>T on transcript NM_000038.6 (MANE Select); coding-DNA position 3299, C replaced by T.
Protein change: p.Ser1100Phe; replaces serine 1100 with phenylalanine.
Molecular consequence: missense variant.
Genome position (GRCh38, 1-based): chr5:112,838,893, C>T. VCF-style: chr5-112838893-C-T. GRCh37 (hg19) VCF-style: chr5-112174590-C-T.
Other names: c.3299C>T, p.Ser1100Phe (NM_001127510.3, NM_001354895.2); c.3245C>T, p.Ser1082Phe (NM_001127511.3); c.3353C>T, p.Ser1118Phe (NM_001354896.2); c.3329C>T, p.Ser1110Phe (NM_001354897.2); c.3224C>T, p.Ser1075Phe (NM_001354898.2); c.3215C>T, p.Ser1072Phe (NM_001354899.2); c.3176C>T, p.Ser1059Phe (NM_001354900.2); c.3122C>T, p.Ser1041Phe (NM_001354901.2); and 5 more; short protein forms S1082F, S1100F, S1009F, S1059F, S999F, S1072F, S1075F, S817F.
Identifiers: ClinVar variation 216159 (VCV000216159.32), dbSNP rs863224541, ClinGen allele CA335915.